The following is an entry in ClinVar:

NM_005068.3(SIM1):c.29G>T (p.Arg10Leu)

Gene: SIM1 (SIM bHLH transcription factor 1; minus strand). Cytogenetic location: 6q16.3.
Variant type: single nucleotide variant.
Coding change: c.29G>T on transcript NM_005068.3 (MANE Select); coding-DNA position 29, G replaced by T.
Protein change: p.Arg10Leu; replaces arginine 10 with leucine.
Molecular consequence: missense variant.
Genome position (GRCh38, 1-based): chr6:100,463,440, C>A on the plus strand (G>T on the coding strand, the complement: SIM1 is on the minus strand). VCF-style: chr6-100463440-C-A. GRCh37 (hg19) VCF-style: chr6-100911316-C-A.
Other names: c.29G>T, p.Arg10Leu (NM_001374769.1); short protein forms R10L.
Identifiers: ClinVar variation 3348764 (VCV003348764.1).
Genomic context (GRCh38, chr6:100,463,440, plus strand): 5'-GGCAAAGGCAGTAATTTAGCCAGTTCATAAAATTCACTGTTTTCCTTCTCCCTCCTAGTC[C>A]GCGCAGCATTTTTGGACTTTTCTTTCATTGTGTCTTGTTCCCCCTTTCTTCTCACAACTT-3'
Protein context (NP_005059.2, residues 1-20): MKEKSKNAA[Arg10Leu]TRREKENSEF

ClinVar aggregate classification (germline): Uncertain significance (0 of 4 stars; one submission).

Conditions:
SIM1-related disorder. Also called: SIM1-related condition; SIM1-related disorders.

Submission:

PreventionGenetics, part of Exact Sciences
Classification: Uncertain significance for SIM1-related condition. Last evaluated: 2023-12-14. Review status: no assertion criteria provided. Collection method: clinical testing. Allele origin: germline.
Comment: The SIM1 c.29G>T variant is predicted to result in the amino acid substitution p.Arg10Leu. To our knowledge, this variant has not been reported in the literature or in a large population database, indicating this variant is rare. At this time, the clinical significance of this variant is uncertain due to the absence of conclusive functional and genetic evidence.